The following is an entry in ClinVar:

ClinVar aggregate classification (germline): Uncertain significance. Review status: criteria provided, multiple submitters, no conflicts (2 of 4 stars). 3 submissions from 3 submitters: Uncertain significance (2). 1 of the submissions does not count toward it. Last evaluated 2023-05-26.

Conditions:
SPTB-related disorder. Also called: SPTB-Related Disorders; SPTB-related condition.
Inborn genetic diseases. Identifiers: MedGen C0950123, MeSH D030342.

Allele frequency attached by ClinVar (database versions not stated): ExAC 0.00002; gnomAD exomes 0.00002; TOPMed 0.00005; gnomAD 0.00006 and 0.00007.
gnomAD v4.1: 65 of 1,613,868 alleles (0.004%); highest among the groups gnomAD compares: Middle Eastern, 0.033%; no homozygotes.

Submissions (3):

Mayo Clinic Laboratories, Mayo Clinic
Classification: Uncertain significance. Last evaluated: 2023-05-26. Review status: criteria provided, single submitter. Criteria: ACMG Guidelines, 2015. Collection method: clinical testing. Allele origin: germline. Observed: 1 variant allele.
Comment: BP4, PM2

Ambry Genetics
Classification: Uncertain significance for Inborn genetic diseases. Last evaluated: 2023-03-24. Review status: criteria provided, single submitter. Criteria: Ambry Variant Classification Scheme 2023. Collection method: clinical testing. Allele origin: germline.

PreventionGenetics, part of Exact Sciences
Classification: Uncertain significance for SPTB-related condition. Last evaluated: 2023-10-25. Review status: no assertion criteria provided. Collection method: clinical testing. Allele origin: germline. Not counted in ClinVar's aggregate classification.
Comment: The SPTB c.221G>A variant is predicted to result in the amino acid substitution p.Arg74His. To our knowledge, this variant has not been reported in the literature. This variant is reported in 0.0058% of alleles in individuals of Latino descent in gnomAD. At this time, the clinical significance of this variant is uncertain due to the absence of conclusive functional and genetic evidence.

NM_001355436.2(SPTB):c.221G>A (p.Arg74His)

Gene: SPTB (spectrin beta, erythrocytic; minus strand). Cytogenetic location: 14q23.3.
Variant type: single nucleotide variant.
Coding change: c.221G>A on transcript NM_001355436.2 (MANE Select); coding-DNA position 221, G replaced by A.
Protein change: p.Arg74His; replaces arginine 74 with histidine.
Molecular consequence: missense variant.
Genome position (GRCh38, 1-based): chr14:64,805,018, C>T on the plus strand (G>A on the coding strand, the complement: SPTB is on the minus strand). VCF-style: chr14-64805018-C-T. GRCh37 (hg19) VCF-style: chr14-65271736-C-T.
Other names: p.Arg74His; c.221G>A (NM_001024858.2); c.221G>A, p.Arg74His (NM_001024858.4, NM_001355437.2); short protein forms R74H.
Identifiers: ClinVar variation 313782 (VCV000313782.10), dbSNP rs757763783, ClinGen allele CA7231512.
Genomic context (GRCh38, chr14:64,805,018, plus strand): 5'-ACCTCCAGCAGCTTGATGAGCATGCGCCCATCCCGCAGGTCCTTGTAGAGATCGGTGATG[C>T]GGCAGGACACTCGAGCCAGGTGCGAGTTCACCCATTTCGTGAAGGTCTTTTTCTGAACAA-3'
Protein context (NP_001342365.1, residues 64-84): VNSHLARVSC[Arg74His]ITDLYKDLRD